The following is an entry in ClinVar:

NM_019892.6(INPP5E):c.1837C>T (p.Leu613=)

Gene: INPP5E (inositol polyphosphate-5-phosphatase E; minus strand). Cytogenetic location: 9q34.3.
Variant type: single nucleotide variant.
Coding change: c.1837C>T on transcript NM_019892.6 (MANE Select); coding-DNA position 1837, C replaced by T.
Protein change: p.Leu613=; no amino-acid change (leucine 613 retained).
Molecular consequence: synonymous variant.
Genome position (GRCh38, 1-based): chr9:136,429,773, G>A on the plus strand (C>T on the coding strand, the complement: INPP5E is on the minus strand). VCF-style: chr9-136429773-G-A. GRCh37 (hg19) VCF-style: chr9-139324225-G-A.
Other names: c.1834C>T, p.Leu612= (NM_001318502.2); c.1837C>T (NM_019892.5).
Identifiers: ClinVar variation 3026814 (VCV003026814.22), dbSNP rs1835655518, ClinGen allele CA467719934.
Genomic context (GRCh38, chr9:136,429,773, plus strand): 5'-GTAGTGCTTGCTGCCTCTGAATCTCCTTCGAAATCCGTCTTTTAATTCCTAGTAAGTACA[G>A]TTCTCTATCAAATTTGCCAGCTGCCAACGGAATGCTGTGGAGGAGGAGGGGGCGTTAGGA-3'
Protein context (NP_063945.2, residues 603-623): PLAAGKFDRE[Leu613=]YLLGIKRRIS

ClinVar aggregate classification (germline): Likely benign. Review status: criteria provided, single submitter (1 of 4 stars). 2 submissions from 2 submitters: Likely benign (1). 1 of the submissions does not count toward it. Last evaluated 2024-02-01.

Conditions:
INPP5E-related disorder. Also called: INPP5E-related condition.

Allele frequency attached by ClinVar (database versions not stated): gnomAD exomes below 0.00001; TOPMed below 0.00001; gnomAD 0.00001.
gnomAD v4.1: 2 of 1,613,798 alleles (0.00012%); highest among the groups gnomAD compares: Non-Finnish European, 0.00017%; no homozygotes.

Submissions (2):

CeGaT Center for Human Genetics Tuebingen
Classification: Likely benign. Last evaluated: 2024-02-01. Review status: criteria provided, single submitter. Criteria: CeGaT Center For Human Genetics Tuebingen Variant Classification Criteria Version 2. Collection method: clinical testing. Allele origin: germline. Affected: yes. Observed: 1 variant allele.
Comment: INPP5E: BP4, BP7

PreventionGenetics, part of Exact Sciences
Classification: Likely benign for INPP5E-related condition. Last evaluated: 2022-11-14. Review status: no assertion criteria provided. Collection method: clinical testing. Allele origin: germline. Not counted in ClinVar's aggregate classification.
Comment: This variant is classified as likely benign based on ACMG/AMP sequence variant interpretation guidelines (Richards et al. 2015 PMID: 25741868, with internal and published modifications).